The following is an entry in ClinVar:

ClinVar aggregate classification (germline): Uncertain significance. Review status: criteria provided, multiple submitters, no conflicts (2 of 4 stars). 2 submissions from 2 submitters: Uncertain significance (2). Last evaluated 2024-01-22.

Conditions:
Cardiovascular phenotype. Identifiers: MedGen CN230736.
Cardiomyopathy (CMYO). Also called: Cardiomyopathies. Identifiers: Orphanet 167848, MedGen C0878544, MONDO:0004994, HP:0001638. Inheritance: Various modes of inheritance.

Allele frequency attached by ClinVar (database versions not stated): gnomAD exomes below 0.00001; TOPMed below 0.00001.

Submissions (2):

Ambry Genetics
Classification: Uncertain significance for Cardiovascular phenotype. Last evaluated: 2024-01-22. Review status: criteria provided, single submitter. Criteria: Ambry Variant Classification Scheme 2023. Collection method: clinical testing. Allele origin: germline.
Comment: The p.E399K variant (also known as c.1195G>A), located in coding exon 11 of the CASQ2 gene, results from a G to A substitution at nucleotide position 1195. The glutamic acid at codon 399 is replaced by lysine, an amino acid with similar properties. This amino acid position is conserved. In addition, this alteration is predicted to be tolerated by in silico analysis. Based on the available evidence, the clinical significance of this alteration remains unclear.

CHEO Genetics Diagnostic Laboratory, Children's Hospital of Eastern Ontario
Classification: Uncertain significance for Cardiomyopathy. Last evaluated: 2018-02-15. Review status: criteria provided, single submitter. Criteria: ACMG Guidelines, 2015. Collection method: clinical testing. Allele origin: germline.

NM_001232.4(CASQ2):c.1195G>A (p.Glu399Lys)

Gene: CASQ2 (calsequestrin 2; minus strand). Cytogenetic location: 1p13.1.
Variant type: single nucleotide variant.
Coding change: c.1195G>A on transcript NM_001232.4 (MANE Select); coding-DNA position 1195, G replaced by A.
Protein change: p.Glu399Lys; replaces glutamic acid 399 with lysine.
Molecular consequence: missense variant.
Genome position (GRCh38, 1-based): chr1:115,701,246, C>T on the plus strand (G>A on the coding strand, the complement: CASQ2 is on the minus strand). VCF-style: chr1-115701246-C-T. GRCh37 (hg19) VCF-style: chr1-116243867-C-T.
Other names: short protein forms E399K.
Identifiers: ClinVar variation 915516 (VCV000915516.3), dbSNP rs1344875325, ClinGen allele CA341766139.